The following is an entry in ClinVar:

ClinVar aggregate classification (germline): Uncertain significance (1 of 4 stars; one submission).

Conditions:
Catecholaminergic polymorphic ventricular tachycardia 1. Also called: VENTRICULAR TACHYCARDIA, CATECHOLAMINERGIC POLYMORPHIC, 1, WITH OR WITHOUT ATRIAL DYSFUNCTION AND/OR DILATED CARDIOMYOPATHY; VENTRICULAR TACHYCARDIA, STRESS-INDUCED POLYMORPHIC 1; RYR2-Related Catecholaminergic Polymorphic Ventricular Tachycardia. Identifiers: Orphanet 3286, MedGen C1631597, MONDO:0011484, OMIM 604772.

Allele frequency attached by ClinVar (database versions not stated): gnomAD 0.00005; TOPMed 0.00008; ESP Exome Variant Server 0.00014; 1000 Genomes Project 0.00040; 1000 Genomes Project 30x 0.00047.
gnomAD v4.1: 11 of 1,233,428 alleles (0.00089%); highest among the groups gnomAD compares: African/African-American, 0.017%; no homozygotes.

Submission:

Labcorp Genetics (formerly Invitae), Labcorp
Classification: Uncertain significance for Catecholaminergic polymorphic ventricular tachycardia 1. Last evaluated: 2022-10-17. Review status: criteria provided, single submitter. Criteria: Invitae Variant Classification Sherloc (09022015). Collection method: clinical testing. Allele origin: germline.
Comment: This sequence change falls in intron 5 of the TRDN gene. It does not directly change the encoded amino acid sequence of the TRDN protein. It affects a nucleotide within the consensus splice site. This variant is present in population databases (rs115773202, gnomAD 0.01%). This variant has not been reported in the literature in individuals affected with TRDN-related conditions. ClinVar contains an entry for this variant (Variation ID: 971836). Variants that disrupt the consensus splice site are a relatively common cause of aberrant splicing (PMID: 17576681, 9536098). Algorithms developed to predict the effect of sequence changes on RNA splicing suggest that this variant is not likely to affect RNA splicing. In summary, the available evidence is currently insufficient to determine the role of this variant in disease. Therefore, it has been classified as a Variant of Uncertain Significance.

Literature cited by the submitters: PubMed 17576681; PubMed 9536098.

NM_006073.4(TRDN):c.484+6C>G

Gene: TRDN (triadin; minus strand). Cytogenetic location: 6q22.31.
Variant type: single nucleotide variant.
Coding change: c.484+6C>G on transcript NM_006073.4 (MANE Select); 6 bases into the intron after coding-DNA position 484, C replaced by G.
Molecular consequence: intron variant.
Genome position (GRCh38, 1-based): chr6:123,530,500, G>C on the plus strand (C>G on the coding strand, the complement: TRDN is on the minus strand). VCF-style: chr6-123530500-G-C. GRCh37 (hg19) VCF-style: chr6-123851645-G-C.
Other names: c.484+6C>G (NM_001251987.2, NM_001256020.2, NM_001256021.2 and 1 more transcripts).
Identifiers: ClinVar variation 971836 (VCV000971836.5), dbSNP rs115773202, ClinGen allele CA147293460.